The following is an entry in ClinVar:

NM_018136.5(ASPM):c.6813G>C (p.Arg2271Ser)

Gene: ASPM (assembly factor for spindle microtubules; minus strand). Cytogenetic location: 1q31.3.
Variant type: single nucleotide variant.
Coding change: c.6813G>C on transcript NM_018136.5 (MANE Select); coding-DNA position 6813, G replaced by C.
Protein change: p.Arg2271Ser; replaces arginine 2271 with serine.
Molecular consequence: missense variant. On other transcripts: intron variant (1).
Genome position (GRCh38, 1-based): chr1:197,102,438, C>G on the plus strand (G>C on the coding strand, the complement: ASPM is on the minus strand). VCF-style: chr1-197102438-C-G. GRCh37 (hg19) VCF-style: chr1-197071568-C-G.
Other names: c.4066-6274G>C (NM_001206846.2); short protein forms R2271S.
Identifiers: ClinVar variation 392317 (VCV000392317.1), dbSNP rs1057524441, ClinGen allele CA16603514.

ClinVar aggregate classification (germline): Likely benign (1 of 4 stars; one submission).

Submission:

GeneDx
Classification: Likely benign. Last evaluated: 2017-01-03. Review status: criteria provided, single submitter. Criteria: GeneDx Variant Classification (06012015). Collection method: clinical testing. Allele origin: germline. Affected: yes.
Comment: This variant is considered likely benign or benign based on one or more of the following criteria: it is a conservative change, it occurs at a poorly conserved position in the protein, it is predicted to be benign by multiple in silico algorithms, and/or has population frequency not consistent with disease.